The following is an entry in ClinVar:

ClinVar aggregate classification (germline): Pathogenic/Likely pathogenic. Review status: criteria provided, multiple submitters, no conflicts (2 of 4 stars). 2 submissions from 2 submitters: Pathogenic (1); Likely pathogenic (1). Last evaluated 2024-03-14.

Conditions:
Fanconi anemia (FA). Also called: Fanconi's anemia. Identifiers: Orphanet 84, MedGen C0015625, MeSH D005199, MONDO:0019391.
Fanconi anemia complementation group I (FANCI). Also called: FANCI-Related Fanconi Anemia. Identifiers: Orphanet 84, MedGen C1836861, MONDO:0012186, OMIM 609053.

Submissions (2):

Baylor Genetics
Classification: Likely pathogenic for Fanconi anemia complementation group I. Last evaluated: 2024-03-14. Review status: criteria provided, single submitter. Criteria: ACMG Guidelines, 2015. Collection method: clinical testing. Allele origin: unknown.

Labcorp Genetics (formerly Invitae), Labcorp
Classification: Pathogenic for Fanconi anemia. Last evaluated: 2024-01-28. Review status: criteria provided, single submitter. Criteria: Invitae Variant Classification Sherloc (09022015). Collection method: clinical testing. Allele origin: germline.
Comment: This sequence change creates a premature translational stop signal (p.Lys780Asnfs*28) in the FANCI gene. It is expected to result in an absent or disrupted protein product. Loss-of-function variants in FANCI are known to be pathogenic (PMID: 17452773, 17460694). This variant is not present in population databases (gnomAD no frequency). This variant has not been reported in the literature in individuals affected with FANCI-related conditions. Algorithms developed to predict the effect of sequence changes on RNA splicing suggest that this variant may disrupt the consensus splice site. For these reasons, this variant has been classified as Pathogenic.

Literature cited by the submitters: PubMed 17452773 (cited by Labcorp Genetics (formerly Invitae), Labcorp); PubMed 17460694 (cited by Labcorp Genetics (formerly Invitae), Labcorp).

NM_001113378.2(FANCI):c.2340del (p.Lys780fs)

Gene: FANCI (FA complementation group I; plus strand). Cytogenetic location: 15q26.1.
Variant type: Deletion.
Coding change: c.2340del on transcript NM_001113378.2 (MANE Select); coding-DNA position 2340, one base deleted (A; older notation c.2340delA).
Protein change: p.Lys780fs; shifts the reading frame from lysine 780.
Molecular consequence: frameshift variant.
Genome position (GRCh38, 1-based): chr15:89,293,881, A deleted; the last of 6 consecutive A bases (chr15:89,293,876-89,293,881); deleting any one gives the same sequence. VCF-style (leftmost placement, unchanged base first): chr15-89293875-CA-C. GRCh37 (hg19) VCF-style: chr15-89837106-CA-C.
Other names: c.2061del, p.Lys687fs (NM_001376910.1); c.2340del, p.Lys780fs (NM_001376911.1, NM_018193.3); short protein forms K687fs, K780fs.
Identifiers: ClinVar variation 2894378 (VCV002894378.4), dbSNP rs2054158750, ClinGen allele CA972570792.